The following is an entry in ClinVar:

ClinVar aggregate classification (germline): Uncertain significance. Review status: criteria provided, multiple submitters, no conflicts (2 of 4 stars). 2 submissions from 2 submitters: Uncertain significance (2). Last evaluated 2025-12-15.

Conditions:
Brugada syndrome 8 (BRGDA8). Identifiers: Orphanet 130, MedGen C2751083, MONDO:0013148, OMIM 613123.
Cardiovascular phenotype. Identifiers: MedGen CN230736.

gnomAD v4.1: 2 of 1,529,408 alleles (0.00013%); highest among the groups gnomAD compares: Non-Finnish European, 0.00018%; no homozygotes.

Submissions (2):

Labcorp Genetics (formerly Invitae), Labcorp
Classification: Uncertain significance for Brugada syndrome 8. Last evaluated: 2025-12-15. Review status: criteria provided, single submitter. Criteria: Invitae Variant Classification Sherloc (09022015). Collection method: clinical testing. Allele origin: germline.
Comment: This sequence change replaces glycine, which is neutral and non-polar, with arginine, which is basic and polar, at codon 36 of the HCN4 protein (p.Gly36Arg). This variant is not present in population databases (gnomAD no frequency). This variant has not been reported in the literature in individuals affected with HCN4-related conditions. ClinVar contains an entry for this variant (Variation ID: 956968). Invitae Evidence Modeling of protein sequence and biophysical properties (such as structural, functional, and spatial information, amino acid conservation, physicochemical variation, residue mobility, and thermodynamic stability) has been performed for this missense variant. However, the output from this modeling did not meet the statistical confidence thresholds required to predict the impact of this variant on HCN4 protein function. In summary, the available evidence is currently insufficient to determine the role of this variant in disease. Therefore, it has been classified as a Variant of Uncertain Significance.

Ambry Genetics
Classification: Uncertain significance for Cardiovascular phenotype. Last evaluated: 2021-08-19. Review status: criteria provided, single submitter. Criteria: Ambry Variant Classification Scheme 2023. Collection method: clinical testing. Allele origin: germline.
Comment: The p.G36R variant (also known as c.106G>C), located in coding exon 1 of the HCN4 gene, results from a G to C substitution at nucleotide position 106. The glycine at codon 36 is replaced by arginine, an amino acid with dissimilar properties. This amino acid position is conserved. In addition, the in silico prediction for this alteration is inconclusive. Since supporting evidence is limited at this time, the clinical significance of this alteration remains unclear.

NM_005477.3(HCN4):c.106G>C (p.Gly36Arg)

Gene: HCN4 (hyperpolarization activated cyclic nucleotide gated potassium channel 4; minus strand). Cytogenetic location: 15q24.1.
Variant type: single nucleotide variant.
Coding change: c.106G>C on transcript NM_005477.3 (MANE Select); coding-DNA position 106, G replaced by C.
Protein change: p.Gly36Arg; replaces glycine 36 with arginine.
Molecular consequence: missense variant.
Genome position (GRCh38, 1-based): chr15:73,368,165, C>G on the plus strand (G>C on the coding strand, the complement: HCN4 is on the minus strand). VCF-style: chr15-73368165-C-G. GRCh37 (hg19) VCF-style: chr15-73660506-C-G.
Other names: short protein forms G36R.
Identifiers: ClinVar variation 956968 (VCV000956968.8), dbSNP rs886039001, ClinGen allele CA393099014.